The following is an entry in ClinVar:

NM_030632.3(ASXL3):c.3155G>C (p.Arg1052Thr)

Gene: ASXL3 (ASXL transcriptional regulator 3; plus strand). Cytogenetic location: 18q12.1.
Variant type: single nucleotide variant.
Coding change: c.3155G>C on transcript NM_030632.3 (MANE Select); coding-DNA position 3155, G replaced by C.
Protein change: p.Arg1052Thr; replaces arginine 1052 with threonine.
Molecular consequence: missense variant.
Genome position (GRCh38, 1-based): chr18:33,743,003, G>C. VCF-style: chr18-33743003-G-C. GRCh37 (hg19) VCF-style: chr18-31322967-G-C.
Other names: short protein forms R1052T.
Identifiers: ClinVar variation 3363324 (VCV003363324.2).

ClinVar aggregate classification (germline): Uncertain significance (1 of 4 stars; one submission).

gnomAD v4.1: 3 of 1,613,794 alleles (0.00019%); highest among the groups gnomAD compares: Non-Finnish European, 0.00025%; no homozygotes.

Submission:

GeneDx
Classification: Uncertain significance. Last evaluated: 2026-02-13. Review status: criteria provided, single submitter. Criteria: GeneDx Variant Classification Process June 2021. Collection method: clinical testing. Allele origin: germline.
Comment: Not observed at significant frequency in large population cohorts (gnomAD); In silico analysis supports that this missense variant has a deleterious effect on protein structure/function; Has not been previously published as pathogenic or benign to our knowledge